The following is an entry in ClinVar:

ClinVar aggregate classification (germline): Uncertain significance. Review status: criteria provided, multiple submitters, no conflicts (2 of 4 stars). 3 submissions from 3 submitters: Uncertain significance (2). 1 of the submissions does not count toward it. Last evaluated 2023-11-27.

Conditions:
Neuronal ceroid lipofuscinosis 2. Also called: JANSKY-BIELSCHOWSKY DISEASE NEURONAL CEROID LIPOFUSCINOSIS, LATE INFANTILE; TPP1-Related Neuronal Ceroid-Lipofuscinosis. Identifiers: Orphanet 168491, Orphanet 228349, Orphanet 79264, MedGen C1876161, MONDO:0008769, OMIM 204500.

Allele frequency attached by ClinVar (database versions not stated): gnomAD exomes 0.00002 and 0.00004; ExAC 0.00004.

Submissions (3):

Labcorp Genetics (formerly Invitae), Labcorp
Classification: Uncertain significance. Last evaluated: 2023-11-27. Review status: criteria provided, single submitter. Criteria: Invitae Variant Classification Sherloc (09022015). Collection method: clinical testing. Allele origin: germline.
Comment: This sequence change replaces valine, which is neutral and non-polar, with alanine, which is neutral and non-polar, at codon 257 of the TPP1 protein (p.Val257Ala). This variant is present in population databases (rs763009524, gnomAD 0.03%). This variant has not been reported in the literature in individuals affected with TPP1-related conditions. ClinVar contains an entry for this variant (Variation ID: 953300). Advanced modeling of protein sequence and biophysical properties (such as structural, functional, and spatial information, amino acid conservation, physicochemical variation, residue mobility, and thermodynamic stability) performed at Invitae indicates that this missense variant is expected to disrupt TPP1 protein function with a positive predictive value of 95%. In summary, the available evidence is currently insufficient to determine the role of this variant in disease. Therefore, it has been classified as a Variant of Uncertain Significance.

Blueprint Genetics
Classification: Uncertain significance. Last evaluated: 2022-09-28. Review status: criteria provided, single submitter. Criteria: ACMG Guidelines, 2015. Collection method: clinical testing. Allele origin: germline.

Natera, Inc.
Classification: Uncertain significance for Neuronal ceroid lipofuscinosis 2. Last evaluated: 2020-04-14. Review status: no assertion criteria provided. Collection method: clinical testing. Allele origin: germline. Not counted in ClinVar's aggregate classification.

NM_000391.4(TPP1):c.770T>C (p.Val257Ala)

Gene: TPP1 (tripeptidyl peptidase 1; minus strand). Cytogenetic location: 11p15.4.
Variant type: single nucleotide variant.
Coding change: c.770T>C on transcript NM_000391.4 (MANE Select); coding-DNA position 770, T replaced by C.
Protein change: p.Val257Ala; replaces valine 257 with alanine.
Molecular consequence: missense variant.
Genome position (GRCh38, 1-based): chr11:6,616,777, A>G on the plus strand (T>C on the coding strand, the complement: TPP1 is on the minus strand). VCF-style: chr11-6616777-A-G. GRCh37 (hg19) VCF-style: chr11-6638008-A-G.
Other names: short protein forms V257A.
Identifiers: ClinVar variation 953300 (VCV000953300.6), dbSNP rs763009524, ClinGen allele CA5858842.